The following is an entry in ClinVar:

ClinVar aggregate classification (germline): Uncertain significance (1 of 4 stars; one submission).

Allele frequency attached by ClinVar (database versions not stated): ExAC 0.00002; gnomAD 0.00003; TOPMed 0.00005.
gnomAD v4.1: 9 of 1,613,740 alleles (0.00056%); highest among the groups gnomAD compares: African/African-American, 0.011%; no homozygotes.

Submission:

Ambry Genetics
Classification: Uncertain significance. Last evaluated: 2022-12-12. Review status: criteria provided, single submitter. Criteria: Ambry Variant Classification Scheme 2023. Collection method: clinical testing. Allele origin: germline.
Comment: The p.C385F variant (also known as c.1154G>T), located in coding exon 5 of the MNDA gene, results from a G to T substitution at nucleotide position 1154. The cysteine at codon 385 is replaced by phenylalanine, an amino acid with highly dissimilar properties. This amino acid position is conserved. In addition, this alteration is predicted to be tolerated by in silico analysis. Since supporting evidence is limited at this time, the clinical significance of this alteration remains unclear.

NM_002432.3(MNDA):c.1154G>T (p.Cys385Phe)

Gene: MNDA (myeloid cell nuclear differentiation antigen; plus strand). Cytogenetic location: 1q23.1.
Variant type: single nucleotide variant.
Coding change: c.1154G>T on transcript NM_002432.3 (MANE Select); coding-DNA position 1154, G replaced by T.
Protein change: p.Cys385Phe; replaces cysteine 385 with phenylalanine.
Molecular consequence: missense variant.
Genome position (GRCh38, 1-based): chr1:158,847,894, G>T. VCF-style: chr1-158847894-G-T. GRCh37 (hg19) VCF-style: chr1-158817684-G-T.
Other names: short protein forms C385F.
Identifiers: ClinVar variation 2497027 (VCV002497027.2), dbSNP rs775044326, ClinGen allele CA1185811.